The following is an entry in ClinVar:

NM_006766.5(KAT6A):c.1796T>A (p.Leu599Ter)

Gene: KAT6A (lysine acetyltransferase 6A; minus strand). Cytogenetic location: 8p11.21.
Variant type: single nucleotide variant.
Coding change: c.1796T>A on transcript NM_006766.5 (MANE Select); coding-DNA position 1796, T replaced by A.
Protein change: p.Leu599Ter; replaces leucine 599 with a stop codon.
Molecular consequence: nonsense.
Genome position (GRCh38, 1-based): chr8:41,947,857, A>T on the plus strand (T>A on the coding strand, the complement: KAT6A is on the minus strand). VCF-style: chr8-41947857-A-T. GRCh37 (hg19) VCF-style: chr8-41805375-A-T.
Other names: c.1796T>A, p.Leu599Ter (NM_001305878.2); short protein forms L599*.
Identifiers: ClinVar variation 4294482 (VCV004294482.1).

ClinVar aggregate classification (germline): Pathogenic (1 of 4 stars; one submission).

Conditions:
Autosomal dominant intellectual disability-craniofacial anomalies-cardiac defects syndrome (ARTHS). Also called: Arboleda-Tham syndrome; KAT6A syndrome; Mental retardation, autosomal dominant 32. Identifiers: Orphanet 457193, MedGen C4225396, MONDO:0014558, OMIM 616268.

Submission:

Molecular Genetics Department, Kulakov National Medical Research Center for Obstetrics, Gynecology and Perinatology
Classification: Pathogenic for Autosomal dominant intellectual disability-craniofacial anomalies-cardiac defects syndrome. Review status: criteria provided, single submitter. Criteria: ACMG Guidelines, 2015. Collection method: clinical testing. Allele origin: de novo. Affected: yes. Observed: 1 variant allele.
Comment: A previously undescribed heterozygous nucleotide variant creates a premature translation stop signal p.Leu599Ter in the KAT6A gene. Heterozygous variants are reported in patients with Arboleda-Tham syndrome, 616268. Sanger sequencing revealed that the variant arose de novo (parentage confirmed). The variant is not present in population database (gnomAD no frequency). In summary, this variant has been classified as pathogenic.